The following is an entry in ClinVar:

NM_000718.4(CACNA1B):c.2566_2568delinsCAG (p.Asp856Gln)

Gene: CACNA1B (calcium voltage-gated channel subunit alpha1 B; plus strand). Cytogenetic location: 9q34.3.
Variant type: Indel.
Coding change: c.2566_2568delinsCAG on transcript NM_000718.4 (MANE Select); coding-DNA positions 2566 to 2568, GAC replaced by CAG.
Protein change: p.Asp856Gln; replaces aspartic acid 856 with glutamine.
Molecular consequence: missense variant.
Genome position (GRCh38, 1-based): chr9:138,023,309-138,023,311, GAC replaced by CAG. VCF-style: chr9-138023309-GAC-CAG. GRCh37 (hg19) VCF-style: chr9-140917761-GAC-CAG.
Other names: c.2566_2568delinsCAG, p.Asp856Gln (NM_001243812.2); short protein forms D856Q.
Identifiers: ClinVar variation 2053281 (VCV002053281.3), dbSNP rs2539373654, ClinGen allele CA2580081107.

ClinVar aggregate classification (germline): Uncertain significance (1 of 4 stars; one submission).

Submission:

Labcorp Genetics (formerly Invitae), Labcorp
Classification: Uncertain significance. Last evaluated: 2024-10-28. Review status: criteria provided, single submitter. Criteria: Invitae Variant Classification Sherloc (09022015). Collection method: clinical testing. Allele origin: germline.
Comment: This sequence change replaces aspartic acid, which is acidic and polar, with glutamine, which is neutral and polar, at codon 856 of the CACNA1B protein (p.Asp856Gln). Information on the frequency of this variant in the gnomAD database is not available, as this variant may be reported differently in the database. This variant has not been reported in the literature in individuals affected with CACNA1B-related conditions. Experimental studies and prediction algorithms are not available or were not evaluated, and the functional significance of this variant is currently unknown. In summary, the available evidence is currently insufficient to determine the role of this variant in disease. Therefore, it has been classified as a Variant of Uncertain Significance.